The following is an entry in ClinVar:

ClinVar aggregate classification (germline): Uncertain significance (1 of 4 stars; one submission).

Allele frequency attached by ClinVar (database versions not stated): TOPMed below 0.00001.
gnomAD v4.1: 16 of 1,583,736 alleles (0.001%); highest among the groups gnomAD compares: Non-Finnish European, 0.0013%; no homozygotes.

Submission:

Labcorp Genetics (formerly Invitae), Labcorp
Classification: Uncertain significance. Last evaluated: 2023-11-03. Review status: criteria provided, single submitter. Criteria: Invitae Variant Classification Sherloc (09022015). Collection method: clinical testing. Allele origin: germline.
Comment: This sequence change replaces arginine, which is basic and polar, with glutamine, which is neutral and polar, at codon 167 of the ITGAM protein (p.Arg167Gln). This variant is not present in population databases (gnomAD no frequency). This variant has not been reported in the literature in individuals affected with ITGAM-related conditions. Algorithms developed to predict the effect of missense changes on protein structure and function output the following: SIFT: "Not Available"; PolyPhen-2: "Benign"; Align-GVGD: "Not Available". The glutamine amino acid residue is found in multiple mammalian species, which suggests that this missense change does not adversely affect protein function. In summary, the available evidence is currently insufficient to determine the role of this variant in disease. Therefore, it has been classified as a Variant of Uncertain Significance.

NM_000632.4(ITGAM):c.500G>A (p.Arg167Gln)

Gene: ITGAM (integrin subunit alpha M; plus strand). Cytogenetic location: 16p11.2.
Variant type: single nucleotide variant.
Coding change: c.500G>A on transcript NM_000632.4 (MANE Select); coding-DNA position 500, G replaced by A.
Protein change: p.Arg167Gln; replaces arginine 167 with glutamine.
Molecular consequence: missense variant.
Genome position (GRCh38, 1-based): chr16:31,271,026, G>A. VCF-style: chr16-31271026-G-A. GRCh37 (hg19) VCF-style: chr16-31282347-G-A.
Other names: c.500G>A, p.Arg167Gln (NM_001145808.2); short protein forms R167Q.
Identifiers: ClinVar variation 2737676 (VCV002737676.3), dbSNP rs1567249191, ClinGen allele CA395689498.